The following is an entry in ClinVar:

ClinVar aggregate classification (germline): Pathogenic (1 of 4 stars; one submission).

Conditions:
Myasthenic syndrome, congenital, 22 (CMS22). Also called: PREPL DEFICIENCY. Identifiers: MedGen C4479088, MONDO:0044299, OMIM 616224.

Submission:

Labcorp Genetics (formerly Invitae), Labcorp
Classification: Pathogenic for Myasthenic syndrome, congenital, 22. Last evaluated: 2019-06-04. Review status: criteria provided, single submitter. Criteria: Invitae Variant Classification Sherloc (09022015). Collection method: clinical testing. Allele origin: germline.
Comment: This variant is a gross deletion of the genomic region encompassing exons 2-14 of the PREPL gene. The 5' boundary is likely confined to intron 1. If SLC3A1 has been tested and no copy number events are reported for it, then the 3' boundary of this event lies between the PREPL and SLC3A1 genes. If SLC3A1 has not been tested, the 3' end of this event is unknown as it extends beyond the assayed region of this test and may encompass additional genes including the SLC3A1 gene. This is expected to result in an absent or disrupted protein product. Isolated deletions of exons 2-14 of PREPL have not been reported in the literature. However, larger copy number events that include this region have been reported in individuals affected with hypotonia-cystinuria syndrome (PMID: 24610330, 22796000, 24610330). For these reasons, this variant has been classified as Pathogenic.

Literature cited by the submitters: PubMed 22796000; PubMed 24610330.

NC_000002.12:g.(?_44280716)_(44346390_?)del

Genes: PREPL (prolyl endopeptidase like; minus strand), SLC3A1 (solute carrier family 3 member 1; plus strand). Cytogenetic location: 2p21.
Variant type: Deletion.
Identifiers: ClinVar variation 584389 (VCV000584389.2).